The following is an entry in ClinVar:

NM_015335.5(MED13L):c.1939A>G (p.Arg647Gly)

Gene: MED13L (mediator complex subunit 13L; minus strand). Cytogenetic location: 12q24.21.
Variant type: single nucleotide variant.
Coding change: c.1939A>G on transcript NM_015335.5 (MANE Select); coding-DNA position 1939, A replaced by G.
Protein change: p.Arg647Gly; replaces arginine 647 with glycine.
Molecular consequence: missense variant.
Genome position (GRCh38, 1-based): chr12:116,008,474, T>C on the plus strand (A>G on the coding strand, the complement: MED13L is on the minus strand). VCF-style: chr12-116008474-T-C. GRCh37 (hg19) VCF-style: chr12-116446279-T-C.
Other names: short protein forms R647G.
Identifiers: ClinVar variation 4085858 (VCV004085858.8).
Genomic context (GRCh38, chr12:116,008,474, plus strand): 5'-TGCTCTCTGAGTTTACCTCCATTTTGGCATCACATCTCTCACCCTGGAGCTCTGGAGGCC[T>C]GAACTCAGCATCATCACTGGGTGGGAGACGATAACTATGCCACCACTTTTCTGATGACTC-3'
Protein context (NP_056150.1, residues 637-657): RLPPSDDAEF[Arg647Gly]PPELQGERCD

ClinVar aggregate classification (germline): Uncertain significance (1 of 4 stars; one submission).

Submission:

CeGaT Center for Human Genetics Tuebingen
Classification: Uncertain significance. Last evaluated: 2025-08-01. Review status: criteria provided, single submitter. Criteria: CeGaT Center For Human Genetics Tuebingen Variant Classification Criteria Version 2. Collection method: clinical testing. Allele origin: germline. Affected: yes. Observed: 1 variant allele.
Comment: MED13L: PM2, BP4